The following is an entry in ClinVar:

ClinVar aggregate classification (germline): Uncertain significance (1 of 4 stars; one submission).

Conditions:
Autosomal dominant epilepsy with auditory features. Identifiers: Orphanet 101046, MedGen C1838062, MONDO:0010898.

gnomAD v4.1: 3 of 1,611,512 alleles (0.00019%); highest among the groups gnomAD compares: Non-Finnish European, 0.00025%; no homozygotes.

Submission:

Labcorp Genetics (formerly Invitae), Labcorp
Classification: Uncertain significance for Autosomal dominant epilepsy with auditory features. Last evaluated: 2023-11-27. Review status: criteria provided, single submitter. Criteria: Invitae Variant Classification Sherloc (09022015). Collection method: clinical testing. Allele origin: germline.
Comment: This sequence change replaces alanine, which is neutral and non-polar, with serine, which is neutral and polar, at codon 253 of the LGI1 protein (p.Ala253Ser). This variant is not present in population databases (gnomAD no frequency). This variant has not been reported in the literature in individuals affected with LGI1-related conditions. ClinVar contains an entry for this variant (Variation ID: 2050946). Advanced modeling of protein sequence and biophysical properties (such as structural, functional, and spatial information, amino acid conservation, physicochemical variation, residue mobility, and thermodynamic stability) performed at Invitae indicates that this missense variant is not expected to disrupt LGI1 protein function with a negative predictive value of 80%. In summary, the available evidence is currently insufficient to determine the role of this variant in disease. Therefore, it has been classified as a Variant of Uncertain Significance.

NM_005097.4(LGI1):c.757G>T (p.Ala253Ser)

Gene: LGI1 (leucine rich glioma inactivated 1; plus strand). Cytogenetic location: 10q23.33.
Variant type: single nucleotide variant.
Coding change: c.757G>T on transcript NM_005097.4 (MANE Select); coding-DNA position 757, G replaced by T.
Protein change: p.Ala253Ser; replaces alanine 253 with serine.
Molecular consequence: missense variant. On other transcripts: non-coding transcript variant (1).
Genome position (GRCh38, 1-based): chr10:93,793,269, G>T. VCF-style: chr10-93793269-G-T. GRCh37 (hg19) VCF-style: chr10-95553026-G-T.
Other names: c.757G>T, p.Ala253Ser (NM_001308275.2); c.613G>T, p.Ala205Ser (NM_001308276.2); short protein forms A205S, A253S.
Identifiers: ClinVar variation 2050946 (VCV002050946.4), dbSNP rs1440639718, ClinGen allele CA377624232.
Genomic context (GRCh38, chr10:93,793,269, plus strand): 5'-CCTTATCAATCATTGTCCATAGACACTTTTTCTTATTTGAATGATGAGTATGTAGTCATC[G>T]CTCAGCCTTTTACTGGAAAATGCATTTTCCTTGAATGGGACCATGTGGAAAAGACCTTCC-3'
Protein context (NP_005088.1, residues 243-263): SYLNDEYVVI[Ala253Ser]QPFTGKCIFL